The following is an entry in ClinVar:

ClinVar aggregate classification (germline): Uncertain significance (1 of 4 stars; one submission).

Conditions:
Hypohidrotic X-linked ectodermal dysplasia (XHED). Also called: Anhidrotic ectodermal dysplasia X-linked; Christ Siemens Touraine syndrome; ECTODERMAL DYSPLASIA 1, HYPOHIDROTIC, X-LINKED; ECTODERMAL DYSPLASIA 1, HYPOHIDROTIC/HAIR/TOOTH TYPE, X-LINKED; ECTODERMAL DYSPLASIA 1; Ectodermal Dysplasia 1, Anhidrotic. Identifiers: Orphanet 181, Orphanet 238468, MedGen C0162359, MONDO:0010585, OMIM 305100.

Submission:

Labcorp Genetics (formerly Invitae), Labcorp
Classification: Uncertain significance for Hypohidrotic X-linked ectodermal dysplasia. Last evaluated: 2021-07-12. Review status: criteria provided, single submitter. Criteria: Invitae Variant Classification Sherloc (09022015). Collection method: clinical testing. Allele origin: germline.
Comment: In summary, the available evidence is currently insufficient to determine the role of this variant in disease. Therefore, it has been classified as a Variant of Uncertain Significance. Advanced modeling of protein sequence and biophysical properties (such as structural, functional, and spatial information, amino acid conservation, physicochemical variation, residue mobility, and thermodynamic stability) performed at Invitae indicates that this missense variant is expected to disrupt EDA protein function. This variant has been observed in individual(s) with EDA-related conditions (Invitae). This variant is not present in population databases (ExAC no frequency). This sequence change replaces asparagine with isoleucine at codon 137 of the EDA protein (p.Asn137Ile). The asparagine residue is moderately conserved and there is a large physicochemical difference between asparagine and isoleucine.

NM_001399.5(EDA):c.410A>T (p.Asn137Ile)

Gene: EDA (ectodysplasin A; plus strand). Cytogenetic location: Xq13.1.
Variant type: single nucleotide variant.
Coding change: c.410A>T on transcript NM_001399.5 (MANE Select); coding-DNA position 410, A replaced by T.
Protein change: p.Asn137Ile; replaces asparagine 137 with isoleucine.
Molecular consequence: missense variant.
Genome position (GRCh38, 1-based): chrX:69,957,040, A>T. VCF-style: chrX-69957040-A-T. GRCh37 (hg19) VCF-style: chrX-69176890-A-T.
Other names: c.410A>T, p.Asn137Ile (NM_001005609.2, NM_001005612.3); short protein forms N137I.
Identifiers: ClinVar variation 1405134 (VCV001405134.6), dbSNP rs2147419026, ClinGen allele CA413447839.